The following is an entry in ClinVar:

NM_006767.4(LZTR1):c.1845G>C (p.Lys615Asn)

Gene: LZTR1 (leucine zipper like post translational regulator 1; plus strand). Cytogenetic location: 22q11.21.
Variant type: single nucleotide variant.
Coding change: c.1845G>C on transcript NM_006767.4 (MANE Select); coding-DNA position 1845, G replaced by C.
Protein change: p.Lys615Asn; replaces lysine 615 with asparagine.
Molecular consequence: missense variant.
Genome position (GRCh38, 1-based): chr22:20,994,929, G>C. VCF-style: chr22-20994929-G-C. GRCh37 (hg19) VCF-style: chr22-21349218-G-C.
Other names: short protein forms K615N.
Identifiers: ClinVar variation 2421728 (VCV002421728.7), dbSNP rs1924773649, ClinGen allele CA410778582.

ClinVar aggregate classification (germline): Conflicting classifications of pathogenicity. Review status: criteria provided, conflicting classifications (1 of 4 stars). 2 submissions from 2 submitters: Uncertain significance (1); Likely benign (1). Last evaluated 2026-01-24.

Allele frequency attached by ClinVar (database versions not stated): gnomAD exomes below 0.00001; gnomAD 0.00001.
gnomAD v4.1: 2 of 1,613,304 alleles (0.00012%); highest among the groups gnomAD compares: Non-Finnish European, 0.00017%; no homozygotes.

Submissions (2):

Labcorp Genetics (formerly Invitae), Labcorp
Classification: Uncertain significance. Last evaluated: 2026-01-24. Review status: criteria provided, single submitter. Criteria: Invitae Variant Classification Sherloc (09022015). Collection method: clinical testing. Allele origin: germline.
Comment: This sequence change replaces lysine, which is basic and polar, with asparagine, which is neutral and polar, at codon 615 of the LZTR1 protein (p.Lys615Asn). This variant is not present in population databases (gnomAD no frequency). This variant has not been reported in the literature in individuals affected with LZTR1-related conditions. ClinVar contains an entry for this variant (Variation ID: 2421728). Invitae Evidence Modeling of protein sequence and biophysical properties (such as structural, functional, and spatial information, amino acid conservation, physicochemical variation, residue mobility, and thermodynamic stability) indicates that this missense variant is not expected to disrupt LZTR1 protein function with a negative predictive value of 80%. In summary, the available evidence is currently insufficient to determine the role of this variant in disease. Therefore, it has been classified as a Variant of Uncertain Significance.

Blueprint Genetics
Classification: Likely benign. Last evaluated: 2019-09-16. Review status: criteria provided, single submitter. Criteria: ACMG Guidelines, 2015. Collection method: clinical testing. Allele origin: germline.